The following is an entry in ClinVar:

NM_001283009.2(RTEL1):c.2870G>A (p.Arg957Gln)

Genes: RTEL1 (regulator of telomere elongation helicase 1; plus strand), RTEL1-TNFRSF6B (RTEL1-TNFRSF6B readthrough (NMD candidate); plus strand). Cytogenetic location: 20q13.33.
Variant type: single nucleotide variant.
Coding change: c.2870G>A on transcript NM_001283009.2 (MANE Select); coding-DNA position 2870, G replaced by A.
Protein change: p.Arg957Gln; replaces arginine 957 with glutamine.
Molecular consequence: missense variant. On other transcripts: non-coding transcript variant (1).
Genome position (GRCh38, 1-based): chr20:63,693,161, G>A. VCF-style: chr20-63693161-G-A. GRCh37 (hg19) VCF-style: chr20-62324514-G-A.
Other names: p.Arg957Gln; c.2201G>A, p.Arg734Gln (NM_001283010.1); c.2870G>A, p.Arg957Gln (NM_016434.4); c.2942G>A, p.Arg981Gln (NM_032957.5); short protein forms R957Q, R981Q, R734Q.
Identifiers: ClinVar variation 1380452 (VCV001380452.12), dbSNP rs753270617, ClinGen allele CA9965639.

ClinVar aggregate classification (germline): Uncertain significance. Review status: criteria provided, multiple submitters, no conflicts (2 of 4 stars). 3 submissions from 3 submitters: Uncertain significance (3). Last evaluated 2026-01-01.

Conditions:
Pulmonary fibrosis and/or bone marrow failure, Telomere-related, 3. Also called: PULMONARY FIBROSIS AND/OR BONE MARROW FAILURE SYNDROME, TELOMERE-RELATED, 3. Identifiers: Orphanet 2032, MedGen C4225346, MONDO:0014613, OMIM 616373.
Dyskeratosis congenita, autosomal recessive 5 (DKCB5). Identifiers: MedGen C3554656, MONDO:0014076, OMIM 615190.

Allele frequency attached by ClinVar (database versions not stated): ExAC 0.00001; gnomAD 0.00001; gnomAD exomes 0.00001; TOPMed 0.00002.
gnomAD v4.1: 31 of 1,612,050 alleles (0.0019%); highest among the groups gnomAD compares: Non-Finnish European, 0.0025%; no homozygotes.

Submissions (3):

CeGaT Center for Human Genetics Tuebingen
Classification: Uncertain significance. Last evaluated: 2026-01-01. Review status: criteria provided, single submitter. Criteria: CeGaT Center For Human Genetics Tuebingen Variant Classification Criteria Version 2. Collection method: clinical testing. Allele origin: germline. Affected: yes. Observed: 1 variant allele.
Comment: RTEL1: PM5, PS4:Supporting, BP4

Labcorp Genetics (formerly Invitae), Labcorp
Classification: Uncertain significance for Dyskeratosis congenita, autosomal recessive 5; Pulmonary fibrosis and/or bone marrow failure, Telomere-related, 3. Last evaluated: 2025-11-23. Review status: criteria provided, single submitter. Criteria: Invitae Variant Classification Sherloc (09022015). Collection method: clinical testing. Allele origin: germline.
Comment: This sequence change replaces arginine, which is basic and polar, with glutamine, which is neutral and polar, at codon 957 of the RTEL1 protein (p.Arg957Gln). This variant is present in population databases (rs753270617, gnomAD 0.007%). This missense change has been observed in individual(s) with clinical features of dyskeratosis congenita (PMID: 28495916). This variant is also known as c.2942G>A, p.R981Q. ClinVar contains an entry for this variant (Variation ID: 1380452). An algorithm developed to predict the effect of missense changes on protein structure and function (PolyPhen-2) suggests that this variant is likely to be disruptive. This variant disrupts the p.Arg957 amino acid residue in RTEL1. Other variant(s) that disrupt this residue have been determined to be pathogenic (PMID: 23453664, 29296694, 34301788). This suggests that this residue is clinically significant, and that variants that disrupt this residue are likely to be disease-causing. In summary, the available evidence is currently insufficient to determine the role of this variant in disease. Therefore, it has been classified as a Variant of Uncertain Significance.

Mayo Clinic Laboratories, Mayo Clinic
Classification: Uncertain significance. Last evaluated: 2025-10-22. Review status: criteria provided, single submitter. Criteria: ACMG Guidelines, 2015. Collection method: clinical testing. Allele origin: germline. Observed: 1 variant allele.
Comment: BP4, PM3_supporting, PM5_supporting

Literature cited by the submitters: PubMed 28495916 (cited by Labcorp Genetics (formerly Invitae), Labcorp and Mayo Clinic Laboratories, Mayo Clinic); PubMed 23453664 (cited by Labcorp Genetics (formerly Invitae), Labcorp and Mayo Clinic Laboratories, Mayo Clinic); PubMed 29296694 (cited by Labcorp Genetics (formerly Invitae), Labcorp and Mayo Clinic Laboratories, Mayo Clinic); PubMed 34301788 (cited by Labcorp Genetics (formerly Invitae), Labcorp and Mayo Clinic Laboratories, Mayo Clinic); PubMed 30523160 (cited by Mayo Clinic Laboratories, Mayo Clinic); PubMed 31268371 (cited by Mayo Clinic Laboratories, Mayo Clinic); PubMed 39279213 (cited by Mayo Clinic Laboratories, Mayo Clinic).